The following is an entry in ClinVar:

ClinVar aggregate classification (germline): Uncertain significance. Review status: criteria provided, multiple submitters, no conflicts (2 of 4 stars). 4 submissions from 4 submitters: Uncertain significance (4). Last evaluated 2023-04-11.

Conditions:
Developmental and epileptic encephalopathy, 18 (DEE18). Also called: Early infantile epileptic encephalopathy 18. Identifiers: Orphanet 369894, MedGen C3809624, MONDO:0014201, OMIM 615476.

Allele frequency attached by ClinVar (database versions not stated): gnomAD 0.00001; ExAC 0.00002; gnomAD exomes 0.00002 and 0.00004; TOPMed 0.00003.

Submissions (4):

Genome-Nilou Lab
Classification: Uncertain significance for Developmental and epileptic encephalopathy, 18. Last evaluated: 2023-04-11. Review status: criteria provided, single submitter. Criteria: ACMG Guidelines, 2015. Collection method: clinical testing. Allele origin: germline. Affected: no.

GeneDx
Classification: Uncertain significance. Last evaluated: 2022-12-05. Review status: criteria provided, single submitter. Criteria: GeneDx Variant Classification Process June 2021. Collection method: clinical testing. Allele origin: germline. Affected: yes.
Comment: Not observed at significant frequency in large population cohorts (gnomAD); In silico analysis supports that this missense variant does not alter protein structure/function; Has not been previously published as pathogenic or benign to our knowledge

Labcorp Genetics (formerly Invitae), Labcorp
Classification: Uncertain significance. Last evaluated: 2022-08-16. Review status: criteria provided, single submitter. Criteria: Invitae Variant Classification Sherloc (09022015). Collection method: clinical testing. Allele origin: germline.
Comment: This sequence change replaces proline, which is neutral and non-polar, with serine, which is neutral and polar, at codon 2770 of the SZT2 protein (p.Pro2770Ser). This variant is present in population databases (rs762098815, gnomAD 0.004%). This variant has not been reported in the literature in individuals affected with SZT2-related conditions. ClinVar contains an entry for this variant (Variation ID: 411947). Algorithms developed to predict the effect of missense changes on protein structure and function (SIFT, PolyPhen-2, Align-GVGD) all suggest that this variant is likely to be tolerated. In summary, the available evidence is currently insufficient to determine the role of this variant in disease. Therefore, it has been classified as a Variant of Uncertain Significance.

CeGaT Center for Human Genetics Tuebingen
Classification: Uncertain significance. Last evaluated: 2022-05-01. Review status: criteria provided, single submitter. Criteria: CeGaT Center For Human Genetics Tuebingen Variant Classification Criteria Version 2. Collection method: clinical testing. Allele origin: germline. Affected: yes. Observed: 1 variant allele.
Comment: SZT2: PM2

NM_001365999.1(SZT2):c.8479C>T (p.Pro2827Ser)

Gene: SZT2 (SZT2 subunit of KICSTOR complex; plus strand). Cytogenetic location: 1p34.2.
Variant type: single nucleotide variant.
Coding change: c.8479C>T on transcript NM_001365999.1 (MANE Select); coding-DNA position 8479, C replaced by T.
Protein change: p.Pro2827Ser; replaces proline 2827 with serine.
Molecular consequence: missense variant.
Genome position (GRCh38, 1-based): chr1:43,443,247, C>T. VCF-style: chr1-43443247-C-T. GRCh37 (hg19) VCF-style: chr1-43908918-C-T.
Other names: c.8308C>T, p.Pro2770Ser (NM_015284.4); short protein forms P2770S, P2827S.
Identifiers: ClinVar variation 411947 (VCV000411947.37), dbSNP rs762098815, ClinGen allele CA810557.
Genomic context (GRCh38, chr1:43,443,247, plus strand): 5'-GAGCTGGAGCGCCAGATGAAGATGGAAAACCTGTTTGTAACCTGGCAGCAGCGTTCTACC[C>T]CAGCCACCATGCCCATCAGTGTGAGTGACCCCAGCTTGCATCTTCCTTGAGTATCTGTGA-3'
Protein context (NP_001352928.1, residues 2817-2837): LFVTWQQRST[Pro2827Ser]ATMPISAGEL